The following is an entry in ClinVar:

ClinVar aggregate classification (germline): Uncertain significance. Review status: criteria provided, multiple submitters, no conflicts (2 of 4 stars). 2 submissions from 2 submitters: Uncertain significance (2). Last evaluated 2025-03-01.

Conditions:
Norman-Roberts syndrome (LIS2). Also called: Lissencephaly 2 (Norman-Roberts type). Identifiers: Orphanet 89844, MedGen C0796089, MONDO:0009760, OMIM 257320.
Familial temporal lobe epilepsy 7. Identifiers: Orphanet 101046, MedGen C4225327, MONDO:0014639, OMIM 616436.

Allele frequency attached by ClinVar (database versions not stated): ExAC 0.00002; gnomAD exomes 0.00002 and 0.00008; gnomAD 0.00003; TOPMed 0.00004.
gnomAD v4.1: 131 of 1,612,172 alleles (0.0081%); highest among the groups gnomAD compares: Non-Finnish European, 0.0095%; no homozygotes.

Submissions (2):

CeGaT Center for Human Genetics Tuebingen
Classification: Uncertain significance. Last evaluated: 2025-03-01. Review status: criteria provided, single submitter. Criteria: CeGaT Center For Human Genetics Tuebingen Variant Classification Criteria Version 2. Collection method: clinical testing. Allele origin: germline. Affected: yes. Observed: 1 variant allele.
Comment: RELN: PM2

Labcorp Genetics (formerly Invitae), Labcorp
Classification: Uncertain significance for Familial temporal lobe epilepsy 7; Norman-Roberts syndrome. Last evaluated: 2024-03-03. Review status: criteria provided, single submitter. Criteria: Invitae Variant Classification Sherloc (09022015). Collection method: clinical testing. Allele origin: germline.
Comment: This sequence change replaces phenylalanine, which is neutral and non-polar, with leucine, which is neutral and non-polar, at codon 112 of the RELN protein (p.Phe112Leu). This variant is present in population databases (rs201754586, gnomAD 0.006%). This missense change has been observed in individual(s) with clinical features of RELN-related conditions (PMID: 35668055). ClinVar contains an entry for this variant (Variation ID: 1041650). Advanced modeling of protein sequence and biophysical properties (such as structural, functional, and spatial information, amino acid conservation, physicochemical variation, residue mobility, and thermodynamic stability) performed at Invitae indicates that this missense variant is not expected to disrupt RELN protein function with a negative predictive value of 80%. In summary, the available evidence is currently insufficient to determine the role of this variant in disease. Therefore, it has been classified as a Variant of Uncertain Significance.

Literature cited by the submitters: PubMed 35668055 (cited by Labcorp Genetics (formerly Invitae), Labcorp).

NM_005045.4(RELN):c.334T>C (p.Phe112Leu)

Gene: RELN (reelin; minus strand). Cytogenetic location: 7q22.1.
Variant type: single nucleotide variant.
Coding change: c.334T>C on transcript NM_005045.4 (MANE Select); coding-DNA position 334, T replaced by C.
Protein change: p.Phe112Leu; replaces phenylalanine 112 with leucine.
Molecular consequence: missense variant.
Genome position (GRCh38, 1-based): chr7:103,917,078, A>G on the plus strand (T>C on the coding strand, the complement: RELN is on the minus strand). VCF-style: chr7-103917078-A-G. GRCh37 (hg19) VCF-style: chr7-103557525-A-G.
Other names: c.334T>C, p.Phe112Leu (NM_173054.3); short protein forms F112L.
Identifiers: ClinVar variation 1041650 (VCV001041650.13), dbSNP rs201754586, ClinGen allele CA4422628.